The following is an entry in ClinVar:

NM_000512.5(GALNS):c.241C>T (p.Pro81Ser)

Gene: GALNS (galactosamine (N-acetyl)-6-sulfatase; minus strand). Cytogenetic location: 16q24.3.
Variant type: single nucleotide variant.
Coding change: c.241C>T on transcript NM_000512.5 (MANE Select); coding-DNA position 241, C replaced by T.
Protein change: p.Pro81Ser; replaces proline 81 with serine.
Molecular consequence: missense variant. On other transcripts: intron variant (1).
Genome position (GRCh38, 1-based): chr16:88,842,709, G>A on the plus strand (C>T on the coding strand, the complement: GALNS is on the minus strand). VCF-style: chr16-88842709-G-A. GRCh37 (hg19) VCF-style: chr16-88909117-G-A.
Other names: c.259C>T, p.Pro87Ser (NM_001323544.2); c.-311-738C>T (NM_001323543.2); short protein forms P81S, P87S.
Identifiers: ClinVar variation 1045825 (VCV001045825.6), dbSNP rs765151762, ClinGen allele CA8235256.

ClinVar aggregate classification (germline): Uncertain significance (1 of 4 stars; one submission).

Conditions:
Mucopolysaccharidosis, MPS-IV-A (MPS4A). Also called: Mucopolysaccharidosis type IV A; Mucopolysaccharidosis Type IVA; Morquio syndrome A, mild; MORQUIO SYNDROME A; MPS IVA; mucopolysaccharidosis type 4A. Identifiers: Orphanet 309297, Orphanet 582, MedGen C0086651, MONDO:0009659, OMIM 253000.

Allele frequency attached by ClinVar (database versions not stated): gnomAD exomes below 0.00001 and 0.00001; ExAC 0.00001.
gnomAD v4.1: 2 of 1,612,708 alleles (0.00012%); highest among the groups gnomAD compares: South Asian, 0.0011%; no homozygotes.

Submission:

Labcorp Genetics (formerly Invitae), Labcorp
Classification: Uncertain significance for Mucopolysaccharidosis, MPS-IV-A. Last evaluated: 2021-08-13. Review status: criteria provided, single submitter. Criteria: Invitae Variant Classification Sherloc (09022015). Collection method: clinical testing. Allele origin: germline.
Comment: This sequence change replaces proline with serine at codon 81 of the GALNS protein (p.Pro81Ser). The proline residue is highly conserved and there is a moderate physicochemical difference between proline and serine. This variant is present in population databases (rs765151762, ExAC 0.007%). This variant has not been reported in the literature in individuals affected with GALNS-related conditions. Algorithms developed to predict the effect of missense changes on protein structure and function are either unavailable or do not agree on the potential impact of this missense change (SIFT: "Deleterious"; PolyPhen-2: "Probably Damaging"; Align-GVGD: "Class C0"). In summary, the available evidence is currently insufficient to determine the role of this variant in disease. Therefore, it has been classified as a Variant of Uncertain Significance.